The following is an entry in ClinVar:

NM_000458.4(HNF1B):c.1186C>G (p.Leu396Val)

Gene: HNF1B (HNF1 homeobox B; minus strand). Cytogenetic location: 17q12.
Variant type: single nucleotide variant.
Coding change: c.1186C>G on transcript NM_000458.4 (MANE Select); coding-DNA position 1186, C replaced by G.
Protein change: p.Leu396Val; replaces leucine 396 with valine.
Molecular consequence: missense variant.
Genome position (GRCh38, 1-based): chr17:37,710,523, G>C on the plus strand (C>G on the coding strand, the complement: HNF1B is on the minus strand). VCF-style: chr17-37710523-G-C. GRCh37 (hg19) VCF-style: chr17-36070531-G-C.
Other names: c.1108C>G, p.Leu370Val (NM_001165923.4, NM_001304286.2); c.1186C>G, p.Leu396Val (NM_001411100.1); short protein forms L370V, L396V.
Identifiers: ClinVar variation 4989916 (VCV004989916.1).

ClinVar aggregate classification (germline): Uncertain significance (1 of 4 stars; one submission).

Conditions:
HNF1B-related disorder. Also called: HNF1B-related condition; HNF1B-related disorders.

gnomAD v4.1: 1 of 1,614,230 alleles (0.000062%); highest among the groups gnomAD compares: Non-Finnish European, 0.000085%; no homozygotes.

Submission:

PreventionGenetics, part of Exact Sciences
Classification: Uncertain significance for HNF1B-related condition. Last evaluated: 2025-11-07. Review status: criteria provided, single submitter. Criteria: ACMG Guidelines, 2015. Collection method: clinical testing. Allele origin: germline.
Comment: The HNF1B c.1186C>G variant is predicted to result in the amino acid substitution p.Leu396Val. To our knowledge, this variant has not been reported in the literature or in a large population database, indicating this variant is rare. At this time, the clinical significance of this variant is uncertain due to the absence of conclusive functional and genetic evidence.